The following is an entry in ClinVar:

NM_016592.5(GNAS):c.509G>A (p.Ser170Asn)

Genes: GNAS (GNAS complex locus; plus strand), GNAS-AS1 (GNAS antisense RNA 1; minus strand). Cytogenetic location: 20q13.32.
Variant type: single nucleotide variant.
Coding change: c.509G>A on transcript NM_016592.5 (MANE Plus Clinical); coding-DNA position 509, G replaced by A.
Protein change: p.Ser170Asn; replaces serine 170 with asparagine.
Molecular consequence: missense variant. On other transcripts: 5 prime UTR variant (1).
Genome position (GRCh38, 1-based): chr20:58,840,615, G>A. VCF-style: chr20-58840615-G-A. GRCh37 (hg19) VCF-style: chr20-57415670-G-A.
Other names: c.-229G>A (NM_001410912.1); short protein forms S170N.
Identifiers: ClinVar variation 4986907 (VCV004986907.1).

ClinVar aggregate classification (germline): Uncertain significance (1 of 4 stars; one submission).

Conditions:
GNAS-related disorder. Identifiers: MedGen CN380105.

gnomAD v4.1: 1 of 1,608,324 alleles (0.000062%); highest among the groups gnomAD compares: Non-Finnish European, 0.000085%; no homozygotes.

Submission:

PreventionGenetics, part of Exact Sciences
Classification: Uncertain significance for GNAS-related condition. Last evaluated: 2025-06-10. Review status: criteria provided, single submitter. Criteria: ACMG Guidelines, 2015. Collection method: clinical testing. Allele origin: germline.
Comment: The GNAS c.509G>A variant is predicted to result in the amino acid substitution p.Ser170Asn. This variant is pre-coding in the main transcript NM_000516:c.-51112G>A. To our knowledge, this variant has not been reported in the literature or in a large population database, indicating this variant is rare. At this time, the clinical significance of this variant is uncertain due to the absence of conclusive functional and genetic evidence.